The following is an entry in ClinVar:

NM_000781.3(CYP11A1):c.940G>A (p.Glu314Lys)

Gene: CYP11A1 (cytochrome P450 family 11 subfamily A member 1; minus strand). Cytogenetic location: 15q24.1.
Variant type: single nucleotide variant.
Coding change: c.940G>A on transcript NM_000781.3 (MANE Select); coding-DNA position 940, G replaced by A.
Protein change: p.Glu314Lys; replaces glutamic acid 314 with lysine.
Molecular consequence: missense variant.
Genome position (GRCh38, 1-based): chr15:74,343,027, C>T on the plus strand (G>A on the coding strand, the complement: CYP11A1 is on the minus strand). VCF-style: chr15-74343027-C-T. GRCh37 (hg19) VCF-style: chr15-74635368-C-T.
Other names: c.466G>A, p.Glu156Lys (NM_001099773.2); short protein forms E314K, E156K.
Identifiers: ClinVar variation 372354 (VCV000372354.33), dbSNP rs6161, ClinGen allele CA7656431.

ClinVar aggregate classification (germline): Conflicting classifications of pathogenicity. Review status: criteria provided, conflicting classifications (1 of 4 stars). 15 submissions from 15 submitters: Pathogenic (2); Likely pathogenic (7); Uncertain significance (3); Benign (1); Likely benign (2). Last evaluated 2026-07-10.

Conditions:
Congenital adrenal insufficiency with 46, XY sex reversal OR 46,XY disorder of sex development-adrenal insufficiency due to CYP11A1 deficiency. Also called: P450scc DEFICIENCY; Congenital adrenal insuffiency with 46, XY sex reversal OR 46,XY disorder of sex development-adrenal insufficiency due to CYP11A1 deficiency. Identifiers: Orphanet 168558, MedGen C3151055, MONDO:0013400, OMIM 613743.
CYP11A1-related disorder. Also called: CYP11A1-related condition.
21-Hydroxylase-Deficient Congenital Adrenal Hyperplasia. Also called: ADRENAL HYPERPLASIA, CONGENITAL, DUE TO 21-HYDROXYLASE DEFICIENCY; ADRENAL HYPERPLASIA III. Identifiers: MedGen C2936858, OMIM 201910.
Congenital adrenal hyperplasia. Identifiers: Orphanet 418, MedGen C0001627, MONDO:0018479, HP:0008258.

Allele frequency attached by ClinVar (database versions not stated): 1000 Genomes Project 30x 0.00047; 1000 Genomes Project 0.00060; TOPMed 0.00221; ExAC 0.00242; gnomAD 0.00249 and 0.00262; gnomAD exomes 0.00253; ESP Exome Variant Server 0.00285.
gnomAD v4.1: 6,284 of 1,613,102 alleles (0.39%); highest among the groups gnomAD compares: Non-Finnish European, 0.48%; 18 homozygotes.

Submissions 1 to 8 of 15:

PreventionGenetics, part of Exact Sciences
Classification: Likely pathogenic for CYP11A1-related condition. Last evaluated: 2026-07-10. Review status: criteria provided, single submitter. Criteria: ACMG Guidelines, 2015. Collection method: clinical testing. Allele origin: germline.
Comment: The CYP11A1 c.940G>A variant is predicted to result in the amino acid substitution p.Glu314Lys. This variant has been reported in the compound heterozygous state, primarily with a loss of function CYP11A1 variant in individuals with adrenal insufficiency (Chan et al. 2015. PubMed ID: 26300845; Lara-Velazquez et al. 2017. PubMed ID: 29178636; Maharaj et al. 2018. PubMed ID: 30620006; Kolli et al. 2019. PubMed ID: 30299480; Kallali et al. 2020. PubMed ID: 31917682). It has been reported to co-segregate with adrenal insufficiency in several families (Maharaj et al. 2018. PubMed ID: 30620006; Kolli et al. 2019. PubMed ID: 30299480; Kallali et al. 2020. PubMed ID: 31917682). This variant has not been reported in affected individuals when present in the homozygous state. Although functional study in E.coli didn't demonstrate a loss of function effect, in silico and in vitro studies using HEK293 cells showed that this variant results in ~60% of wild type (WT) enzymatic activity (Maharaj et al. 2018. PubMed ID: 30620006; Kolli et al. 2019. PubMed ID: 30299480). This variant has conflicting interpretations in ClinVar ranging from benign to pathogenic (ClinVar ID: 372354). This variant is reported in 0.42% of alleles in individuals of European (Non-Finnish) descent in gnomAD. It is proposed that this variant only results in a mild phenotype (Lara-Velazquez et al. 2017. PubMed ID: 29178636; Maharaj et al. 2018. PubMed ID: 30620006; Kolli et al. 2019. PubMed ID: 30299480). This variant is interpreted as likely pathogenic.

Labcorp Genetics (formerly Invitae), Labcorp
Classification: Pathogenic. Last evaluated: 2026-02-04. Review status: criteria provided, single submitter. Criteria: Invitae Variant Classification Sherloc (09022015). Collection method: clinical testing. Allele origin: germline.
Comment: This sequence change replaces glutamic acid, which is acidic and polar, with lysine, which is basic and polar, at codon 314 of the CYP11A1 protein (p.Glu314Lys). This variant is present in population databases (rs6161, gnomAD 0.4%), including at least one homozygous and/or hemizygous individual. This missense change has been observed in individual(s) with primary adrenal insufficiency (PMID: 30299480, 30620006). In at least one individual the data is consistent with being in trans (on the opposite chromosome) from a pathogenic variant. It has also been observed to segregate with disease in related individuals. This variant has only been described in association with primary adrenal insufficiency, when present in trans with another loss of function allele. This variant is not associated with primary adrenal insufficiency when present in the homozygous state. ClinVar contains an entry for this variant (Variation ID: 372354). Invitae Evidence Modeling of protein sequence and biophysical properties (such as structural, functional, and spatial information, amino acid conservation, physicochemical variation, residue mobility, and thermodynamic stability) indicates that this missense variant is not expected to disrupt CYP11A1 protein function with a negative predictive value of 95%. For these reasons, this variant has been classified as Pathogenic.

Variantyx, Inc.
Classification: Pathogenic for Congenital adrenal insufficiency with 46, XY sex reversal OR 46,XY disorder of sex development-adrenal insufficiency due to CYP11A1 deficiency. Last evaluated: 2026-01-05. Review status: criteria provided, single submitter. Criteria: Variantyx Assertion Criteria 2022. Collection method: clinical testing. Allele origin: germline. Inheritance: Autosomal recessive inheritance. Affected: yes.
Comment: This is a nonsynonymous variant in the CYP11A1 gene (OMIM: 118485). Pathogenic variants in this gene have been associated with autosomal recessive partial or complete congenital adrenal insufficiency with 46XY sex reversal. This variant has been reported in the compound heterozygous state in many unrelated affected individuals (PMID: 30620006, 30299480) (PM3). Functional studies have shown that this variant alters splicing and results in multiple alternate transcripts, including skipping of exon 5, which is expected to cause CYP11A1 loss of function (PMID: 30620006, 30233493). Biallelic loss of function is a known disease mechanism for CYP11A1 in this disorder (PVS1_Strong). This variant has a 0.4798% maximum allele frequency in non-founder control populations. Based on the current evidence, this variant is classified as pathogenic for autosomal recessive partial or complete congenital adrenal insufficiency with 46XY sex reversal.

First Genomix Gene Laboratory, Genetic Diagnostics Department
Classification: Likely pathogenic for Congenital adrenal insufficiency with 46, XY sex reversal OR 46,XY disorder of sex development-adrenal insufficiency due to CYP11A1 deficiency. Last evaluated: 2025-03-18. Review status: criteria provided, single submitter. Criteria: ACMG Guidelines, 2015. Collection method: clinical testing. Allele origin: germline. Inheritance: Autosomal recessive inheritance. Affected: no. Observed: 1 variant allele.

Women's Health and Genetics/Laboratory Corporation of America, LabCorp
Classification: Likely pathogenic for Congenital adrenal hyperplasia. Last evaluated: 2025-03-07. Review status: criteria provided, single submitter. Criteria: LabCorp Variant Classification Summary - May 2015. Collection method: clinical testing. Allele origin: germline.
Comment: Variant summary: CYP11A1 c.940G>A (p.Glu314Lys) results in a conservative amino acid change in the encoded protein sequence. Four of five in-silico tools predict a benign effect of the variant on protein function. Consensus agreement among computation tools predict no significant impact on normal splicing. Minigene assays have indicated that the variant affects mRNA splicing, resulting in the skipping of exon 5, which would result in a frameshift leading to a premature termination codon, and analysis of mRNA from an individual with the variant showed that this occurred in a larger proportion of transcripts than in a control individual, but that not all transcripts were affected. The variant allele was found at a frequency of 0.0025 in 251458 control chromosomes in the gnomAD database, including 4 homozygotes. The observed variant frequency is approximately 3 fold of the estimated maximal expected allele frequency for a pathogenic variant in CYP11A1 causing Congenital Adrenal Hyperplasia phenotype (0.00091). c.940G>A has been reported in the literature in the compound heterozygous state in individuals affected with Adrenal Insufficiency, including multiple cases where it has been reported in trans with a pathogenic variant and in families where it was reported to segregate with the disease phenotype (e.g. Chan_2015, Goursaud_2018, Maharaj_2019, Kolli_2019a), suggesting that the variant is very likely to be associated with disease. To our knowledge, the variant has not been reported in the homozygous state in affected individuals. Several publications report experimental evidence evaluating an impact on protein function (e.g. Goursaud_2018, Maharaj_2019, Kolli_2019a). Enzyme activity assays have provided mixed results regarding the variant effect on protein function. Expression of the purified E314K variant protein in Ecoli and expression in COS1 cells showed comparable activity to the WT protein. However, it exhibited reduced protein expression/stability in HEK-293 cells, with approximately 60% activity compared to WT and in V9 cells, enzyme activity was undetectable. The following publications have been ascertained in the context of this evaluation (PMID: 26300845, 30233493, 30299480, 30620006). ClinVar contains an entry for this variant (Variation ID: 372354). Based on the evidence outlined above, the variant was classified as likely pathogenic.

Revvity Omics, Revvity
Classification: Uncertain significance for Congenital adrenal insufficiency with 46, XY sex reversal OR 46,XY disorder of sex development-adrenal insufficiency due to CYP11A1 deficiency. Last evaluated: 2024-04-13. Review status: criteria provided, single submitter. Criteria: ACMG Guidelines, 2015. Collection method: clinical testing. Allele origin: germline.

Genomic Medicine Center of Excellence, King Faisal Specialist Hospital and Research Centre
Classification: Uncertain significance for 21-Hydroxylase-Deficient Congenital Adrenal Hyperplasia. Last evaluated: 2024-04-04. Review status: criteria provided, single submitter. Criteria: ACMG Guidelines, 2015. Collection method: clinical testing. Allele origin: germline.

Department of Pathology and Laboratory Medicine, Sinai Health System
Classification: Likely pathogenic for Congenital adrenal insufficiency with 46, XY sex reversal OR 46,XY disorder of sex development-adrenal insufficiency due to CYP11A1 deficiency. Last evaluated: 2023-09-13. Review status: criteria provided, single submitter. Criteria: ACMG Guidelines, 2015. Collection method: research. Allele origin: germline.